The following is an entry in ClinVar:

ClinVar aggregate classification (germline): Uncertain significance. Review status: criteria provided, multiple submitters, no conflicts (2 of 4 stars). 2 submissions from 2 submitters: Uncertain significance (2). Last evaluated 2021-08-30.

Conditions:
Hepatic veno-occlusive disease-immunodeficiency syndrome. Also called: Hepatic Veno-Occlusive Disease with Immunodeficiency. Identifiers: Orphanet 79124, MedGen C1856128, MONDO:0009338, OMIM 235550. Disease mechanism: loss of function.

Allele frequency attached by ClinVar (database versions not stated): TOPMed 0.00003.
gnomAD v4.1: 18 of 1,559,326 alleles (0.0012%); highest among the groups gnomAD compares: Middle Eastern, 0.017%; no homozygotes.

Submissions (2):

Labcorp Genetics (formerly Invitae), Labcorp
Classification: Uncertain significance for Hepatic veno-occlusive disease-immunodeficiency syndrome. Last evaluated: 2021-08-30. Review status: criteria provided, single submitter. Criteria: Invitae Variant Classification Sherloc (09022015). Collection method: clinical testing. Allele origin: germline.
Comment: This sequence change replaces cysteine with serine at codon 283 of the SP110 protein (p.Cys283Ser). The cysteine residue is weakly conserved and there is a moderate physicochemical difference between cysteine and serine. This variant is not present in population databases (ExAC no frequency). This variant has not been reported in the literature in individuals affected with SP110-related conditions. Algorithms developed to predict the effect of missense changes on protein structure and function output the following: SIFT: "Tolerated"; PolyPhen-2: "Benign"; Align-GVGD: "Class C0". The serine amino acid residue is found in multiple mammalian species, which suggests that this missense change does not adversely affect protein function. In summary, the available evidence is currently insufficient to determine the role of this variant in disease. Therefore, it has been classified as a Variant of Uncertain Significance.

Illumina Laboratory Services, Illumina
Classification: Uncertain significance for Hepatic veno-occlusive disease-immunodeficiency syndrome. Last evaluated: 2018-01-13. Review status: criteria provided, single submitter. Criteria: ICSL Variant Classification Criteria 13 December 2019. Collection method: clinical testing. Allele origin: germline.

NM_080424.4(SP110):c.848G>C (p.Cys283Ser)

Genes: SP110 (SP110 nuclear body protein; minus strand), SP140 (SP140 nuclear body protein; plus strand). Cytogenetic location: 2q37.1.
Variant type: single nucleotide variant.
Coding change: c.848G>C on transcript NM_080424.4 (MANE Select); coding-DNA position 848, G replaced by C.
Protein change: p.Cys283Ser; replaces cysteine 283 with serine.
Molecular consequence: missense variant.
Genome position (GRCh38, 1-based): chr2:230,208,041, C>G on the plus strand (G>C on the coding strand, the complement: SP110 is on the minus strand). VCF-style: chr2-230208041-C-G. GRCh37 (hg19) VCF-style: chr2-231072756-C-G.
Other names: c.866G>C, p.Cys289Ser (NM_001185015.2, NM_001378442.1, NM_001378444.1 and 2 more transcripts); c.848G>C, p.Cys283Ser (NM_001378443.1, NM_001378447.1, NM_004509.5 and 1 more transcripts); short protein forms C283S, C289S.
Identifiers: ClinVar variation 895435 (VCV000895435.10), dbSNP rs754775004, ClinGen allele CA350913455.